The following is an entry in ClinVar:

ClinVar aggregate classification (germline): Pathogenic (1 of 4 stars; one submission).

Submission:

Labcorp Genetics (formerly Invitae), Labcorp
Classification: Pathogenic. Last evaluated: 2023-06-11. Review status: criteria provided, single submitter. Criteria: Invitae Variant Classification Sherloc (09022015). Collection method: clinical testing. Allele origin: germline.
Comment: For these reasons, this variant has been classified as Pathogenic. This variant has not been reported in the literature in individuals affected with ERCC6-related conditions. This variant is present in population databases (rs777446958, gnomAD 0.01%). This sequence change creates a premature translational stop signal (p.Leu482Alafs*6) in the ERCC6 gene. It is expected to result in an absent or disrupted protein product. Loss-of-function variants in ERCC6 are known to be pathogenic (PMID: 18628313, 29572252).

Literature cited by the submitters: PubMed 18628313; PubMed 29572252.

NM_000124.4(ERCC6):c.1442dup (p.Leu482fs)

Gene: ERCC6 (ERCC excision repair 6, chromatin remodeling factor; minus strand). Cytogenetic location: 10q11.23.
Variant type: Duplication.
Coding change: c.1442dup on transcript NM_000124.4 (MANE Select); coding-DNA position 1442, one base duplicated (A; older notation c.1442dupA).
Protein change: p.Leu482fs; shifts the reading frame from leucine 482.
Molecular consequence: frameshift variant.
Genome position (GRCh38, 1-based): chr10:49,505,968, T duplicated on the plus strand (A on the coding strand, the reverse complement: ERCC6 is on the minus strand); the first of 2 consecutive T bases (chr10:49,505,968-49,505,969); duplicating either gives the same sequence. VCF-style (leftmost placement, unchanged base first): chr10-49505967-C-CT. GRCh37 (hg19) VCF-style: chr10-50714013-C-CT.
Other names: c.1442dup, p.Leu482fs (NM_001346440.2); short protein forms L482fs.
Identifiers: ClinVar variation 2876807 (VCV002876807.3), dbSNP rs777446958, ClinGen allele CA5495970.